The following is an entry in ClinVar:

ClinVar aggregate classification (germline): Likely benign (1 of 4 stars; one submission).

Allele frequency attached by ClinVar (database versions not stated): gnomAD 0.00007 and 0.00003; TOPMed 0.00006.

Submission:

GeneDx
Classification: Likely benign. Last evaluated: 2017-02-06. Review status: criteria provided, single submitter. Criteria: GeneDx Variant Classification (06012015). Collection method: clinical testing. Allele origin: germline. Affected: yes.
Comment: This variant is considered likely benign or benign based on one or more of the following criteria: it is a conservative change, it occurs at a poorly conserved position in the protein, it is predicted to be benign by multiple in silico algorithms, and/or has population frequency not consistent with disease.

NM_005726.6(TSFM):c.484-939C>T

Gene: TSFM (Ts translation elongation factor, mitochondrial; plus strand). Cytogenetic location: 12q14.1.
Variant type: single nucleotide variant.
Coding change: c.484-939C>T on transcript NM_005726.6 (MANE Select); 939 bases into the intron before coding-DNA position 484, C replaced by T.
Molecular consequence: intron variant.
Genome position (GRCh38, 1-based): chr12:57,792,047, C>T. VCF-style: chr12-57792047-C-T. GRCh37 (hg19) VCF-style: chr12-58185830-C-T.
Other names: c.484-939C>T (NM_001172697.2); c.546+20C>T (NM_001172696.2); c.484-4130C>T (NM_001172695.2).
Identifiers: ClinVar variation 507150 (VCV000507150.1), dbSNP rs755384071, ClinGen allele CA237835967.